The following is an entry in ClinVar:

NM_178335.3(CCDC50):c.678_679inv (p.Arg227Trp)

Gene: CCDC50 (coiled-coil domain containing 50; plus strand). Cytogenetic location: 3q28.
Variant type: Inversion.
Coding change: c.678_679inv on transcript NM_178335.3 (MANE Select).
Protein change: p.Arg227Trp; replaces arginine 227 with tryptophan.
Molecular consequence: missense variant. On other transcripts: intron variant (1).
Genome position: GRCh38 VCF-style: chr3-191375291-AC-GT. GRCh37 (hg19) VCF-style: chr3-191093080-AC-GT.
Other names: c.449-4868_449-4867inv (NM_174908.4); short protein forms R227W.
Identifiers: ClinVar variation 2101399 (VCV002101399.4), ClinGen allele CA2580070580.
Genomic context (GRCh38, chr3:191,375,291, plus strand): 5'-CTCTAGCTCGGGCAAAGGGAGGGACAATCCCCATATTAACAATGAGCAGCATGAAAGGAA[AC>GT]GGTCCACTCAGGAGAGGCCTCGGAGACCTCTGCTTCCCACGATCAGTGGTGAAGTGTTTC-3'
Protein context (NP_848018.1, residues 217-237): HINNEQHERK[Arg227Trp]STQERPRRPL

ClinVar aggregate classification (germline): Uncertain significance (1 of 4 stars; one submission).

Submission:

Labcorp Genetics (formerly Invitae), Labcorp
Classification: Uncertain significance. Last evaluated: 2022-04-13. Review status: criteria provided, single submitter. Criteria: Invitae Variant Classification Sherloc (09022015). Collection method: clinical testing. Allele origin: germline.
Comment: Information on the frequency of this variant in the gnomAD database is not available, as this variant may be reported differently in the database. In summary, the available evidence is currently insufficient to determine the role of this variant in disease. Therefore, it has been classified as a Variant of Uncertain Significance. Experimental studies and prediction algorithms are not available or were not evaluated, and the functional significance of this variant is currently unknown. This variant has not been reported in the literature in individuals affected with CCDC50-related conditions. This sequence change replaces arginine, which is basic and polar, with tryptophan, which is neutral and slightly polar, at codon 227 of the CCDC50 protein (p.Arg227Trp).